The following is an entry in ClinVar:

NM_002661.5(PLCG2):c.3239T>A (p.Ile1080Asn)

Gene: PLCG2 (phospholipase C gamma 2; plus strand). Cytogenetic location: 16q23.3.
Variant type: single nucleotide variant.
Coding change: c.3239T>A on transcript NM_002661.5 (MANE Select); coding-DNA position 3239, T replaced by A.
Protein change: p.Ile1080Asn; replaces isoleucine 1080 with asparagine.
Molecular consequence: missense variant.
Genome position (GRCh38, 1-based): chr16:81,938,841, T>A. VCF-style: chr16-81938841-T-A. GRCh37 (hg19) VCF-style: chr16-81972446-T-A.
Other names: c.3239T>A (NM_002661.3); short protein forms I1080N.
Identifiers: ClinVar variation 1054754 (VCV001054754.12), dbSNP rs747179742, ClinGen allele CA285193762.
Genomic context (GRCh38, chr16:81,938,841, plus strand): 5'-GCTTCCCTTTGGTGTCCCAGGTTCTCGGTGCTCGCCATCTCCCCAAACTTGGACGAAGTA[T>A]TGCCTGTCCCTTTGTAGAAGTGGAGATCTGTGGAGCCGAGTATGACAACAACAAGTTCAA-3'
Protein context (NP_002652.2, residues 1070-1090): ARHLPKLGRS[Ile1080Asn]ACPFVEVEIC

ClinVar aggregate classification (germline): Uncertain significance. Review status: criteria provided, multiple submitters, no conflicts (2 of 4 stars). 3 submissions from 3 submitters: Uncertain significance (3). Last evaluated 2026-03-12.

Conditions:
Familial cold autoinflammatory syndrome 3 (FCAS3). Also called: FAMILIAL ATYPICAL COLD URTICARIA; ANTIBODY DEFICIENCY AND IMMUNE DYSREGULATION, PLCG2-ASSOCIATED. Identifiers: Orphanet 300359, MedGen C3280914, MONDO:0013766, OMIM 614468.
Inborn genetic diseases. Identifiers: MedGen C0950123, MeSH D030342.

Allele frequency attached by ClinVar (database versions not stated): TOPMed 0.00001; gnomAD exomes below 0.00001; gnomAD 0.00001.
gnomAD v4.1: 44 of 1,613,620 alleles (0.0027%); highest among the groups gnomAD compares: Non-Finnish European, 0.0035%; no homozygotes.

Submissions (3):

Women's Health and Genetics/Laboratory Corporation of America, LabCorp
Classification: Uncertain significance. Last evaluated: 2026-03-12. Review status: criteria provided, single submitter. Criteria: LabCorp Variant Classification Summary - May 2015. Collection method: clinical testing. Allele origin: germline.
Comment: Variant summary: PLCG2 c.3239T>A (p.Ile1080Asn) results in a non-conservative amino acid change in the encoded protein sequence. Algorithms developed to predict the effect of missense changes on protein structure and function all suggest that this variant is likely to be disruptive. The variant allele was found at a frequency of 4e-06 in 249286 control chromosomes. The available data on variant occurrences in the general population are insufficient to allow any conclusion about variant significance. To our knowledge, no occurrence of c.3239T>A in individuals affected with PLCG2-related conditions and no experimental evidence demonstrating its impact on protein function have been reported. ClinVar contains an entry for this variant (Variation ID: 1054754). Based on the evidence outlined above, the variant was classified as uncertain significance.

Labcorp Genetics (formerly Invitae), Labcorp
Classification: Uncertain significance for Familial cold autoinflammatory syndrome 3. Last evaluated: 2025-08-19. Review status: criteria provided, single submitter. Criteria: Invitae Variant Classification Sherloc (09022015). Collection method: clinical testing. Allele origin: germline.
Comment: This sequence change replaces isoleucine, which is neutral and non-polar, with asparagine, which is neutral and polar, at codon 1080 of the PLCG2 protein (p.Ile1080Asn). This variant is present in population databases (rs747179742, gnomAD 0.0009%). This variant has not been reported in the literature in individuals affected with PLCG2-related conditions. ClinVar contains an entry for this variant (Variation ID: 1054754). An algorithm developed to predict the effect of missense changes on protein structure and function (PolyPhen-2) suggests that this variant is likely to be disruptive. In summary, the available evidence is currently insufficient to determine the role of this variant in disease. Therefore, it has been classified as a Variant of Uncertain Significance.

Ambry Genetics
Classification: Uncertain significance for Inborn genetic diseases. Last evaluated: 2024-06-30. Review status: criteria provided, single submitter. Criteria: Ambry Variant Classification Scheme 2023. Collection method: clinical testing. Allele origin: germline.